The following is an entry in ClinVar:

ClinVar aggregate classification (germline): Uncertain significance. Review status: criteria provided, single submitter (1 of 4 stars). 2 submissions from 2 submitters: Uncertain significance (1). 1 of the submissions does not count toward it. Last evaluated 2024-10-08.

Conditions:
Familial hypercholesterolemia. Also called: Familial hypercholesterolaemia. Identifiers: MedGen C0020445, MONDO:0005439.
Cardiovascular phenotype. Identifiers: MedGen CN230736.

gnomAD v4.1: 4 of 1,610,760 alleles (0.00025%); highest among the groups gnomAD compares: African/African-American, 0.0053%; no homozygotes.

Submissions (2):

Ambry Genetics
Classification: Uncertain significance for Cardiovascular phenotype. Last evaluated: 2024-10-08. Review status: criteria provided, single submitter. Criteria: Ambry Variant Classification Scheme 2023. Collection method: clinical testing. Allele origin: germline.
Comment: The p.R266L variant (also known as c.797G>T), located in coding exon 9 of the LDLRAP1 gene, results from a G to T substitution at nucleotide position 797. The arginine at codon 266 is replaced by leucine, an amino acid with dissimilar properties. This amino acid position is conserved. In addition, this alteration is predicted to be deleterious by in silico analysis. Based on the available evidence, the clinical significance of this variant remains unclear.

Natera, Inc.
Classification: Uncertain significance for Familial hypercholesterolemia. Last evaluated: 2025-03-17. Review status: no assertion criteria provided. Collection method: clinical testing. Allele origin: germline. Not counted in ClinVar's aggregate classification.

NM_015627.3(LDLRAP1):c.797G>T (p.Arg266Leu)

Gene: LDLRAP1 (low density lipoprotein receptor adaptor protein 1; plus strand). Cytogenetic location: 1p36.11.
Variant type: single nucleotide variant.
Coding change: c.797G>T on transcript NM_015627.3 (MANE Select); coding-DNA position 797, G replaced by T.
Protein change: p.Arg266Leu; replaces arginine 266 with leucine.
Molecular consequence: missense variant.
Genome position (GRCh38, 1-based): chr1:25,566,862, G>T. VCF-style: chr1-25566862-G-T. GRCh37 (hg19) VCF-style: chr1-25893353-G-T.
Other names: short protein forms R266L.
Identifiers: ClinVar variation 3537762 (VCV003537762.2).
Genomic context (GRCh38, chr1:25,566,862, plus strand): 5'-GCCAGCCCTCACCCAGGCTCTCGGCTCACACAGCTCTGCCTTCCAGGCTTGCCCAGTCTC[G>T]GACAAACCCTCAGGTCCTGGACACTGGCCTGACAGCCCAGGACATGCATTACGCCCAGTG-3'
Protein context (NP_056442.2, residues 256-276): DEAFSRLAQS[Arg266Leu]TNPQVLDTGL